The following is an entry in ClinVar:

NM_000501.4(ELN):c.572-1G>A

Gene: ELN (elastin; plus strand). Cytogenetic location: 7q11.23.
Variant type: single nucleotide variant.
Coding change: c.572-1G>A on transcript NM_000501.4 (MANE Select); the canonical splice acceptor site of the intron before coding-DNA position 572, G replaced by A.
Molecular consequence: splice acceptor variant.
Genome position (GRCh38, 1-based): chr7:74,046,695, G>A. VCF-style: chr7-74046695-G-A. GRCh37 (hg19) VCF-style: chr7-73461025-G-A.
Other names: c.587-1G>A (NM_001081754.3, NM_001081753.3); c.572-1G>A (NM_001278939.2, NM_001278915.2, NM_001278912.2 and 3 more transcripts); c.506-1G>A (NM_001278913.2); c.557-1G>A (NM_001278914.2); c.542-1G>A (NM_001278917.2, NM_001081752.3); c.440-1G>A (NM_001278918.2).
Identifiers: ClinVar variation 1326836 (VCV001326836.3), dbSNP rs2131602837, ClinGen allele CA367870201.
Genomic context (GRCh38, chr7:74,046,695, plus strand): 5'-GGGTGGCGGAGGGTTTGGAAGGGGGTGCTGGGACCTGAACTTGCTCTCTTTATTCCCACA[G>A]GAGTTGGACCCTTTGGGGGACCGCAACCTGGAGTCCCACTGGGGTATCCCATCAAGGCCC-3'

ClinVar aggregate classification (germline): Pathogenic/Likely pathogenic. Review status: criteria provided, multiple submitters, no conflicts (2 of 4 stars). 2 submissions from 2 submitters: Pathogenic (1); Likely pathogenic (1). Last evaluated 2021-11-17.

Conditions:
Supravalvar aortic stenosis (SVAS). Also called: Supravalvar aortic stenosis, Eisenberg type. Identifiers: Orphanet 3193, MedGen C0003499, MONDO:0008504, OMIM 185500, HP:0004381.

Submissions (2):

GeneDx
Classification: Likely pathogenic. Last evaluated: 2021-11-17. Review status: criteria provided, single submitter. Criteria: GeneDx Variant Classification Process June 2021. Collection method: clinical testing. Allele origin: germline. Affected: yes.
Comment: Not observed at significant frequency in large population cohorts (Lek et al., 2016); Canonical splice site variant expected to result in aberrant splicing, although in the absence of functional evidence the actual effect of this sequence change is unknown.; This variant is associated with the following publications: (PMID: 30228022)

Clinical Genetics Service, Universitary Hospital 12 de Octubre
Classification: Pathogenic for Supravalvar aortic stenosis. Review status: criteria provided, single submitter. Criteria: ACMG Guidelines, 2015. Collection method: clinical testing. Allele origin: de novo. Affected: yes.